The following is an entry in ClinVar:

NM_000388.4(CASR):c.2546T>A (p.Leu849Gln)

Gene: CASR (calcium sensing receptor; plus strand). Cytogenetic location: 3q21.1.
Variant type: single nucleotide variant.
Coding change: c.2546T>A on transcript NM_000388.4 (MANE Select); coding-DNA position 2546, T replaced by A.
Protein change: p.Leu849Gln; replaces leucine 849 with glutamine.
Molecular consequence: missense variant.
Genome position (GRCh38, 1-based): chr3:122,284,500, T>A. VCF-style: chr3-122284500-T-A. GRCh37 (hg19) VCF-style: chr3-122003347-T-A.
Other names: c.2576T>A, p.Leu859Gln (NM_001178065.2); short protein forms L849Q, L859Q.
Identifiers: ClinVar variation 1792885 (VCV001792885.7), dbSNP rs2074940343, ClinGen allele CA354160248.

ClinVar aggregate classification (germline): Uncertain significance. Review status: criteria provided, multiple submitters, no conflicts (2 of 4 stars). 2 submissions from 2 submitters: Uncertain significance (2). Last evaluated 2023-12-26.

Conditions:
Familial hypocalciuric hypercalcemia (FHH). Also called: Familial benign hypercalcemia. Identifiers: Orphanet 405, MedGen C1809471, MONDO:0018458.
Autosomal dominant hypocalcemia 1 (HYPOC1). Also called: HYPOCALCEMIA, FAMILIAL. Identifiers: MedGen C3715128, MONDO:0011013, OMIM 601198.
Nephrolithiasis/nephrocalcinosis. Identifiers: MedGen CN580796.

Allele frequency attached by ClinVar (database versions not stated): gnomAD exomes below 0.00001.

Submissions (2):

Labcorp Genetics (formerly Invitae), Labcorp
Classification: Uncertain significance for Familial hypocalciuric hypercalcemia; Autosomal dominant hypocalcemia 1. Last evaluated: 2023-12-26. Review status: criteria provided, single submitter. Criteria: Invitae Variant Classification Sherloc (09022015). Collection method: clinical testing. Allele origin: germline.
Comment: This sequence change replaces leucine, which is neutral and non-polar, with glutamine, which is neutral and polar, at codon 849 of the CASR protein (p.Leu849Gln). This variant is not present in population databases (gnomAD no frequency). This variant has not been reported in the literature in individuals affected with CASR-related conditions. ClinVar contains an entry for this variant (Variation ID: 1792885). An algorithm developed to predict the effect of missense changes on protein structure and function (PolyPhen-2) suggests that this variant is likely to be disruptive. In summary, the available evidence is currently insufficient to determine the role of this variant in disease. Therefore, it has been classified as a Variant of Uncertain Significance.

Ambry Genetics
Classification: Uncertain significance for Nephrolithiasis/nephrocalcinosis. Last evaluated: 2021-06-30. Review status: criteria provided, single submitter. Criteria: Ambry Variant Classification Scheme 2023. Collection method: clinical testing. Allele origin: germline.
Comment: The p.L849Q variant (also known as c.2546T>A), located in coding exon 6 of the CASR gene, results from a T to A substitution at nucleotide position 2546. The leucine at codon 849 is replaced by glutamine, an amino acid with dissimilar properties. This amino acid position is conserved. In addition, this alteration is predicted to be deleterious by in silico analysis. Since supporting evidence is limited at this time, the clinical significance of this alteration remains unclear.